The following is an entry in ClinVar:

NM_006005.3(WFS1):c.1897G>C (p.Val633Leu)

Gene: WFS1 (wolframin ER transmembrane glycoprotein; plus strand). Cytogenetic location: 4p16.1.
Variant type: single nucleotide variant.
Coding change: c.1897G>C on transcript NM_006005.3 (MANE Select); coding-DNA position 1897, G replaced by C.
Protein change: p.Val633Leu; replaces valine 633 with leucine.
Molecular consequence: missense variant.
Genome position (GRCh38, 1-based): chr4:6,301,692, G>C. VCF-style: chr4-6301692-G-C. GRCh37 (hg19) VCF-style: chr4-6303419-G-C.
Other names: c.1897G>C, p.Val633Leu (NM_001145853.1); short protein forms V633L.
Identifiers: ClinVar variation 1318450 (VCV001318450.10), dbSNP rs1468892075, ClinGen allele CA356177059.
Genomic context (GRCh38, chr4:6,301,692, plus strand): 5'-TGGACCAAGGCCAGCTTCTCTGTGGTGGGGATGGTGAAGTCCCTGACGCGGAGCTCCATG[G>C]TCAAGCTCATCCTGGTGTGGCTCACGGCCATCGTGCTGTTCTGCTGGTTCTATGTGTACC-3'
Protein context (NP_005996.2, residues 623-643): MVKSLTRSSM[Val633Leu]KLILVWLTAI

ClinVar aggregate classification (germline): Uncertain significance. Review status: criteria provided, multiple submitters, no conflicts (2 of 4 stars). 3 submissions from 3 submitters: Uncertain significance (3). Last evaluated 2022-09-29.

Allele frequency attached by ClinVar (database versions not stated): TOPMed below 0.00001; gnomAD 0.00001; gnomAD exomes 0.00001.
gnomAD v4.1: 13 of 1,613,980 alleles (0.00081%); highest among the groups gnomAD compares: Non-Finnish European, 0.0011%; no homozygotes.

Submissions (3):

Blueprint Genetics
Classification: Uncertain significance. Last evaluated: 2022-09-29. Review status: criteria provided, single submitter. Criteria: ACMG Guidelines, 2015. Collection method: clinical testing. Allele origin: germline.

Labcorp Genetics (formerly Invitae), Labcorp
Classification: Uncertain significance. Last evaluated: 2022-07-26. Review status: criteria provided, single submitter. Criteria: Invitae Variant Classification Sherloc (09022015). Collection method: clinical testing. Allele origin: germline.
Comment: In summary, the available evidence is currently insufficient to determine the role of this variant in disease. Therefore, it has been classified as a Variant of Uncertain Significance. Algorithms developed to predict the effect of missense changes on protein structure and function are either unavailable or do not agree on the potential impact of this missense change (SIFT: "Deleterious"; PolyPhen-2: "Probably Damaging"; Align-GVGD: "Class C0"). ClinVar contains an entry for this variant (Variation ID: 1318450). This variant has not been reported in the literature in individuals affected with WFS1-related conditions. This variant is not present in population databases (gnomAD no frequency). This sequence change replaces valine, which is neutral and non-polar, with leucine, which is neutral and non-polar, at codon 633 of the WFS1 protein (p.Val633Leu).

GeneDx
Classification: Uncertain significance. Last evaluated: 2021-04-23. Review status: criteria provided, single submitter. Criteria: GeneDx Variant Classification Process June 2021. Collection method: clinical testing. Allele origin: germline. Affected: yes.
Comment: Not observed in large population cohorts (Lek et al., 2016); In silico analysis supports that this missense variant does not alter protein structure/function; Has not been previously published as pathogenic or benign to our knowledge